The following is an entry in ClinVar:

NM_025216.3(WNT10A):c.430G>C (p.Ala144Pro)

Gene: WNT10A (Wnt family member 10A; plus strand). Cytogenetic location: 2q35.
Variant type: single nucleotide variant.
Coding change: c.430G>C on transcript NM_025216.3 (MANE Select); coding-DNA position 430, G replaced by C.
Protein change: p.Ala144Pro; replaces alanine 144 with proline.
Molecular consequence: missense variant.
Genome position (GRCh38, 1-based): chr2:218,890,037, G>C. VCF-style: chr2-218890037-G-C. GRCh37 (hg19) VCF-style: chr2-219754759-G-C.
Other names: short protein forms A144P.
Identifiers: ClinVar variation 1305315 (VCV001305315.2), dbSNP rs570082664, ClinGen allele CA350585516.

ClinVar aggregate classification (germline): Uncertain significance (1 of 4 stars; one submission).

Allele frequency attached by ClinVar (database versions not stated): TOPMed below 0.00001.
gnomAD v4.1: 13 of 1,613,870 alleles (0.00081%); highest among the groups gnomAD compares: Non-Finnish European, 0.0011%; no homozygotes.

Submission:

GeneDx
Classification: Uncertain significance. Last evaluated: 2019-04-29. Review status: criteria provided, single submitter. Criteria: GeneDx Variant Classification Process June 2021. Collection method: clinical testing. Allele origin: germline. Affected: yes.
Comment: Not observed in large population cohorts (Lek et al., 2016); In silico analysis, which includes protein predictors and evolutionary conservation, supports that this variant does not alter protein structure/function; Has not been previously published as pathogenic or benign to our knowledge